The following is an entry in ClinVar:

ClinVar aggregate classification (germline): Pathogenic (0 of 4 stars; one submission).

Conditions:
Van der Woude syndrome 1. Also called: van der Woude Syndrome (VWS); CLEFT LIP AND/OR PALATE WITH MUCOUS CYSTS OF LOWER LIP. Identifiers: MedGen C4551864, MONDO:0007333, OMIM 119300.

Submission:

Department of Medical and Molecular Genetics, Dongguan Institute of Pediatrics
Classification: Pathogenic for Van der Woude syndrome 1. Last evaluated: 2020-12-20. Review status: no assertion criteria provided. Collection method: clinical testing. Allele origin: inherited, unknown. Inheritance: Autosomal dominant inheritance. Affected: yes. Observed: 3 variant alleles, 3 heterozygotes. Clinical features observed: Cleft palate (HP:0000175), Lower lip pit (HP:0000196), Absent uvula (HP:0010292).
Comment: Interferon regulatory factor 6 (IRF6) gene on chromosome 1q32.3-q41 has been reported to cause VWS in almost 70% of the affected families among different populations. In the present study, we investigated a three generation Chinese VWS family with cleft lip and palate, all three affected members were heterozygous for c.373_374dupAA (p.Asn125LysfsTer43) in exon 4 of IRF6. This novel frame-shift mutation is predicted to cause a premature stop codon at codon 167 that would produce a protein of less than half of the expected size. The residue change caused by this mutation would affect the structure of IRF6 to a degree, thus destroying the function of IRF6.

NM_006147.4(IRF6):c.373_374dup (p.Asn125fs)

Gene: IRF6 (interferon regulatory factor 6; minus strand). Cytogenetic location: 1q32.2.
Variant type: Duplication.
Coding change: c.373_374dup on transcript NM_006147.4 (MANE Select); coding-DNA positions 373 to 374, 2 bases duplicated (AA; older notation c.373_374dupAA).
Protein change: p.Asn125fs; shifts the reading frame from asparagine 125.
Molecular consequence: frameshift variant.
Genome position (GRCh38, 1-based): chr1:209,796,353-209,796,354, TT duplicated on the plus strand (AA on the coding strand, the reverse complement: IRF6 is on the minus strand). VCF-style (leftmost placement, unchanged base first): chr1-209796352-G-GTT. GRCh37 (hg19) VCF-style: chr1-209969697-G-GTT.
Other names: OFC6; c.88_89dup, p.Asn30fs (NM_001206696.2); c.373_374dupAA (NM_006147.4); short protein forms N125fs, N30fs.
Identifiers: ClinVar variation 996215 (VCV000996215.3), dbSNP rs2077901146, ClinGen allele CA2484367611.